The following is an entry in ClinVar:

ClinVar aggregate classification (germline): Likely benign (0 of 4 stars; one submission).

Conditions:
KIAA1328-related disorder. Also called: KIAA1328-related condition.

Submission:

PreventionGenetics, part of Exact Sciences
Classification: Likely benign for KIAA1328-related condition. Last evaluated: 2022-10-07. Review status: no assertion criteria provided. Collection method: clinical testing. Allele origin: germline.
Comment: This variant is classified as likely benign based on ACMG/AMP sequence variant interpretation guidelines (Richards et al. 2015 PMID: 25741868, with internal and published modifications).

NM_020776.3(KIAA1328):c.333-8_333-7insTTA

Gene: KIAA1328 (KIAA1328; plus strand). Cytogenetic location: 18q12.2.
Variant type: Insertion.
Coding change: c.333-8_333-7insTTA on transcript NM_020776.3 (MANE Select); 8 bases into the intron before coding-DNA position 333 through 7 bases into the intron before coding-DNA position 333, TTA inserted.
Molecular consequence: intron variant.
Genome position: GRCh38 VCF-style: chr18-36885549-T-TTTA. GRCh37 (hg19) VCF-style: chr18-34465512-T-TTTA.
Other names: c.-799-8_-799-7insTTA (NM_001353920.2); c.333-8_333-7insTTA (NM_001353918.2); c.9-8_9-7insTTA (NM_001322327.2, NM_001353919.2).
Identifiers: ClinVar variation 3032262 (VCV003032262.2), dbSNP rs1556808986, ClinGen allele CA629455101.
Genomic context (GRCh38, chr18:36,885,549, plus strand): 5'-CTGCAGCTGTAGGCACATATTTAATTTTATTCTGATAGATGTTAAAGGTTTTTTTTTTTT[T>TTTA]ATTTCAGAGTAAGTGAGGAAAAGGAAGTGACAGAGGAAAGACTGAAAGCTGAGCAGGAGT-3'